The following is an entry in ClinVar:

NM_032043.3(BRIP1):c.3397A>T (p.Thr1133Ser)

Gene: BRIP1 (BRCA1 interacting DNA helicase 1; minus strand). Cytogenetic location: 17q23.2.
Variant type: single nucleotide variant.
Coding change: c.3397A>T on transcript NM_032043.3 (MANE Select); coding-DNA position 3397, A replaced by T.
Protein change: p.Thr1133Ser; replaces threonine 1133 with serine.
Molecular consequence: missense variant.
Genome position (GRCh38, 1-based): chr17:61,683,649, T>A on the plus strand (A>T on the coding strand, the complement: BRIP1 is on the minus strand). VCF-style: chr17-61683649-T-A. GRCh37 (hg19) VCF-style: chr17-59761010-T-A.
Other names: short protein forms T1133S.
Identifiers: ClinVar variation 1721853 (VCV001721853.5), dbSNP rs2544556566, ClinGen allele CA400478815.
Genomic context (GRCh38, chr17:61,683,649, plus strand): 5'-CAGTTTCAGCTAGGTCATTTTTTTCTTCATCTGTATCTTCAGGATCATAAAGTTCAGGTG[T>A]AAAATAGATAGATTCATCTTCTGCTTCTGTTTCAAAATCTCTATTTGAAGTGGACTGTTT-3'
Protein context (NP_114432.2, residues 1123-1143): TEAEDESIYF[Thr1133Ser]PELYDPEDTD

ClinVar aggregate classification (germline): Uncertain significance (1 of 4 stars; one submission).

Conditions:
Familial cancer of breast. Also called: BREAST CANCER, FAMILIAL; Hereditary breast cancer; hereditary breast carcinoma. Identifiers: Orphanet 227535, MedGen C0346153, MONDO:0016419, OMIM 114480. Disease mechanism: loss of function.
Fanconi anemia complementation group J. Also called: BRIP1-Related Fanconi Anemia. Identifiers: Orphanet 84, MedGen C1836860, MONDO:0012187, OMIM 609054.

Submission:

Labcorp Genetics (formerly Invitae), Labcorp
Classification: Uncertain significance for Familial cancer of breast; Fanconi anemia complementation group J. Last evaluated: 2022-10-19. Review status: criteria provided, single submitter. Criteria: Invitae Variant Classification Sherloc (09022015). Collection method: clinical testing. Allele origin: germline.
Comment: In summary, the available evidence is currently insufficient to determine the role of this variant in disease. Therefore, it has been classified as a Variant of Uncertain Significance. Algorithms developed to predict the effect of missense changes on protein structure and function output the following: SIFT: "Tolerated"; PolyPhen-2: "Possibly Damaging"; Align-GVGD: "Class C0". The serine amino acid residue is found in multiple mammalian species, which suggests that this missense change does not adversely affect protein function. This variant has not been reported in the literature in individuals affected with BRIP1-related conditions. This variant is not present in population databases (gnomAD no frequency). This sequence change replaces threonine, which is neutral and polar, with serine, which is neutral and polar, at codon 1133 of the BRIP1 protein (p.Thr1133Ser).